The following is an entry in ClinVar:

NM_005475.3(SH2B3):c.565C>T (p.Arg189Trp)

Gene: SH2B3 (SH2B adaptor protein 3; plus strand). Cytogenetic location: 12q24.12.
Variant type: single nucleotide variant.
Coding change: c.565C>T on transcript NM_005475.3 (MANE Select); coding-DNA position 565, C replaced by T.
Protein change: p.Arg189Trp; replaces arginine 189 with tryptophan.
Molecular consequence: missense variant.
Genome position (GRCh38, 1-based): chr12:111,418,710, C>T. VCF-style: chr12-111418710-C-T. GRCh37 (hg19) VCF-style: chr12-111856514-C-T.
Other names: short protein forms R189W.
Identifiers: ClinVar variation 4630758 (VCV004630758.1).
Genomic context (GRCh38, chr12:111,418,710, plus strand): 5'-GCTGCTGAGACCCCCGCCCGGCCTGGCCTGGCCAAGAAGTTCCTGCCCTGGAGCCTGGCC[C>T]GGGAGCCGCCACCCGAGGCGCTGAAGGAGGCGGTGCTGCGCTACAGCCTGGCCGACGAGG-3'
Protein context (NP_005466.1, residues 179-199): AKKFLPWSLA[Arg189Trp]EPPPEALKEA

ClinVar aggregate classification (germline): Uncertain significance (1 of 4 stars; one submission).

Conditions:
Inborn genetic diseases. Identifiers: MedGen C0950123, MeSH D030342.

gnomAD v4.1: 1 of 1,485,240 alleles (0.000067%); highest among the groups gnomAD compares: African/African-American, 0.0015%; no homozygotes.

Submission:

Ambry Genetics
Classification: Uncertain significance for Inborn genetic diseases. Last evaluated: 2025-11-17. Review status: criteria provided, single submitter. Criteria: Ambry Variant Classification Scheme 2023. Collection method: clinical testing. Allele origin: germline.
Comment: The p.R189W variant (also known as c.565C>T), located in coding exon 1 of the SH2B3 gene, results from a C to T substitution at nucleotide position 565. The arginine at codon 189 is replaced by tryptophan, an amino acid with dissimilar properties. This amino acid position is conserved. In addition, this alteration is predicted to be tolerated by in silico analysis. Based on the available evidence, the clinical significance of this variant remains unclear.